The following is an entry in ClinVar:

NM_006623.4(PHGDH):c.1468G>A (p.Val490Met)

Gene: PHGDH (phosphoglycerate dehydrogenase; plus strand). Cytogenetic location: 1p12.
Variant type: single nucleotide variant.
Coding change: c.1468G>A on transcript NM_006623.4 (MANE Select); coding-DNA position 1468, G replaced by A.
Protein change: p.Val490Met; replaces valine 490 with methionine.
Molecular consequence: missense variant.
Genome position (GRCh38, 1-based): chr1:119,743,906, G>A. VCF-style: chr1-119743906-G-A. GRCh37 (hg19) VCF-style: chr1-120286529-G-A.
Other names: short protein forms V490M.
Identifiers: ClinVar variation 3867 (VCV000003867.26), dbSNP rs121907987, ClinGen allele CA116475.

ClinVar aggregate classification (germline): Pathogenic/Likely pathogenic. Review status: criteria provided, multiple submitters, no conflicts (2 of 4 stars). 17 submissions from 16 submitters: Pathogenic (10); Likely pathogenic (5). 2 of the submissions do not count toward it. Last evaluated 2026-03-22.

Conditions:
PHGDH-related disorder. Also called: PHGDH-related condition.
Neu-Laxova syndrome 1 (NLS1). Identifiers: Orphanet 2671, Orphanet 583607, MedGen C4551478, MONDO:0009736, OMIM 256520. Disease mechanism: loss of function.
PHGDH deficiency. Identifiers: Orphanet 79351, MedGen C1866174, MONDO:0011152, OMIM 601815.

Allele frequency attached by ClinVar (database versions not stated): gnomAD 0.00005 and 0.00006; gnomAD exomes 0.00007 and 0.00015; TOPMed 0.00009; ExAC 0.00010.
gnomAD v4.1: 103 of 1,613,692 alleles (0.0064%); highest among the groups gnomAD compares: African/African-American, 0.0053%; no homozygotes.

Submissions (17):

Dasa
Classification: Pathogenic. Last evaluated: 2026-03-22. Review status: criteria provided, single submitter. Criteria: DASA Assertion Criteria. Collection method: clinical testing. Allele origin: germline.
Comment: NM_006623.4(PHGDH):c.1468G>A (p.Val490Met) is a missense variant that results in the substitution of valine with methionine. Functional evidence supports a deleterious effect on the gene or gene product (PMID: 11055895; PMID: 11751922). This variant has been recurrently observed in individuals with related phenotype (PMID: 11055895; PMID: 11751922). Multiple computational predictions support a deleterious effect on the gene or gene product. The variant is present at low frequency in population datasets. Based on the available data, this variant is classified as pathogenic.

Labcorp Genetics (formerly Invitae), Labcorp
Classification: Pathogenic for PHGDH deficiency. Last evaluated: 2025-11-12. Review status: criteria provided, single submitter. Criteria: Invitae Variant Classification Sherloc (09022015). Collection method: clinical testing. Allele origin: germline.
Comment: This sequence change replaces valine, which is neutral and non-polar, with methionine, which is neutral and non-polar, at codon 490 of the PHGDH protein (p.Val490Met). This variant is present in population databases (rs121907987, gnomAD 0.2%). This missense change has been observed in individuals with phosphoglycerate dehydrogenase deficiency (PMID: 11055895, 11751922). It has also been observed to segregate with disease in related individuals. ClinVar contains an entry for this variant (Variation ID: 3867). Invitae Evidence Modeling of protein sequence and biophysical properties (such as structural, functional, and spatial information, amino acid conservation, physicochemical variation, residue mobility, and thermodynamic stability) has been performed for this missense variant. However, the output from this modeling did not meet the statistical confidence thresholds required to predict the impact of this variant on PHGDH protein function. Experimental studies have shown that this missense change affects PHGDH function (PMID: 11055895, 11751922). For these reasons, this variant has been classified as Pathogenic.

Natera, Inc.
Classification: Likely pathogenic for Phosphoglycerate dehydrogenase deficiency. Last evaluated: 2025-10-05. Review status: criteria provided, single submitter. Criteria: Natera Variant Classification Schema (03/2026). Collection method: clinical testing. Allele origin: germline.
Comment: The c.1468G>A variant in PHGDH is a missense variant predicted to cause substitution of valine to methionine at amino acid 490. This variant is rare in the general population with a frequency below the threshold expected for the associated phenotype(s). This variant has been observed in one or more individuals affected with the associated recessive disease, as either homozygous or compound heterozygous with a second variant (PMID: 36066546, 11751922, 11055895). Functional studies show that this variant may disrupt protein function (PMID: 19235232). Computational prediction algorithms indicate this variant is likely to affect gene or protein function. Given the available evidence, this variant is classified as Likely Pathogenic.

Blueprint Genetics
Classification: Pathogenic for PHGDH-related disorders. Last evaluated: 2024-05-06. Review status: criteria provided, single submitter. Criteria: ACMG Guidelines, 2015. Collection method: clinical testing. Allele origin: germline. Affected: yes. Observed: 4 variant alleles.

Revvity Omics, Revvity
Classification: Pathogenic. Last evaluated: 2024-04-24. Review status: criteria provided, single submitter. Criteria: ACMG Guidelines, 2015. Collection method: clinical testing. Allele origin: germline.

Fulgent Genetics
Classification: Pathogenic for Neu-Laxova syndrome 1; PHGDH deficiency. Last evaluated: 2024-01-06. Review status: criteria provided, single submitter. Criteria: ACMG Guidelines, 2015. Collection method: clinical testing. Allele origin: germline.

Neuberg Centre For Genomic Medicine, NCGM
Classification: Pathogenic for Neu-Laxova syndrome 1. Last evaluated: 2023-05-20. Review status: criteria provided, single submitter. Criteria: ACMG Guidelines, 2015. Collection method: clinical testing. Allele origin: germline. Inheritance: Autosomal recessive inheritance. Affected: yes.
Comment: The observed missense variant c.1468G>A(p.Val490Met) in PHGDH gene has been reported previously in homozygous state in multiple indidviduals with 3-phosphoglycerate dehydrogenase (PHGDH) deficiency (Klomp LW, et al., 2000, Pind S, et al., 2002). Experimental studies show that the variant results in significantly reduced enzyme activity in transfected cells as well as patient fibroblasts (Klomp LW, et al., 2000, Pind S, et al., 2002). The c.1468G>A variant has 0.01% allele frequency in gnomAD Exomes. This variant has been submitted to the ClinVar database as Likely Pathogenic / Pathogenic (multiple submissions). The amino acid Valine at position 490 is changed to a Methionine changing protein sequence and it might alter its composition and physico-chemical properties. Multiple lines of computational evidence (Polyphen, SIFT and Mutation Taster) predict no damaging effect on protein structure and function for this variant. The amino acid change p.Val490Met in PHGDH is predicted as conserved by GERP++ and PhyloP across 100 vertebrates. For these reasons, this variant has been classified as Pathogenic. In the absence of another reportable variant, the molecular diagnosis is not confirmed.

Genome-Nilou Lab
Classification: Likely pathogenic for Neu-Laxova syndrome 1. Last evaluated: 2023-04-11. Review status: criteria provided, single submitter. Criteria: ACMG Guidelines, 2015. Collection method: clinical testing. Allele origin: germline. Affected: no.

Genome-Nilou Lab
Classification: Likely pathogenic for PHGDH deficiency. Last evaluated: 2023-04-11. Review status: criteria provided, single submitter. Criteria: ACMG Guidelines, 2015. Collection method: clinical testing. Allele origin: germline. Affected: no.

Department of Pathology and Laboratory Medicine, Sinai Health System
Classification: Pathogenic for Neu-Laxova syndrome 1; PHGDH deficiency. Last evaluated: 2023-02-02. Review status: criteria provided, single submitter. Criteria: ACMG Guidelines, 2015. Collection method: research. Allele origin: germline.

Rady Children's Institute for Genomic Medicine, Rady Children's Hospital San Diego
Classification: Pathogenic for PHOSPHOGLYCERATE DEHYDROGENASE DEFICIENCY. Last evaluated: 2020-06-05. Review status: criteria provided, single submitter. Criteria: ACMG Guidelines, 2015. Collection method: clinical testing. Allele origin: germline. Affected: yes.
Comment: This variant has been reported in several individuals affected with phosphoglycerate dehydrogenase deficiency and was found to segregate with the disease in related individuals (PMID: 11055895, 11751922). Functional studies have shown that this change disrupts PHGDH enzymatic activity in vitro (PMID: 11055895, 11751922). It is present in the heterozygous state in the gnomAD population database at a frequency of 0.00014 (40/281324) and thus is presumed to be rare. In silico analyses are suggestive of deleterious effect of the c.1468G>A (p.Val490Met) variant on protein function. Based on the available evidence, the c.1468G>A (p.Val490Met) variant is classified as Pathogenic.

Laboratorio de Genetica e Diagnostico Molecular, Hospital Israelita Albert Einstein
Classification: Likely pathogenic. Last evaluated: 2019-10-02. Review status: criteria provided, single submitter. Criteria: ACMG Guidelines, 2015. Collection method: clinical testing. Allele origin: germline. Affected: yes.
Comment: ACMG classification criteria: PS3, PS4, PP1, PP3

Mendelics
Classification: Pathogenic for PHGDH deficiency. Last evaluated: 2019-05-28. Review status: criteria provided, single submitter. Criteria: Mendelics Assertion Criteria 2017. Collection method: clinical testing. Allele origin: unknown.

Women's Health and Genetics/Laboratory Corporation of America, LabCorp
Classification: Pathogenic for PHGDH deficiency. Last evaluated: 2017-07-23. Review status: criteria provided, single submitter. Criteria: LabCorp Variant Classification Summary - May 2015. Collection method: clinical testing. Allele origin: germline.
Comment: Variant summary: The PHGDH c.1468G>A (p.Val490Met) variant involves the alteration of a conserved nucleotide. 2/3 in silico tools predict a benign outcome for this variant (SNPsandGO and MutationTaster not captured due to low reliability index). This variant was found in 13/123042 control chromosomes at a frequency of 0.0001059, which does not exceed the estimated maximal expected allele frequency of a pathogenic PHGDH variant (0.0026352). The variant has been reported in the homozygous state in numerousffected individuals, and functional studies showed the variant to result in significantly reduced enzyme activity in transfected cells as well as patient fibroblasts (Klomp_2000, Pind_2002). In addition, one reputable databases classified this variant as pathogenic. Taken together, this variant is classified as pathogenic.

Juno Genomics, Hangzhou Juno Genomics, Inc
Classification: Likely pathogenic for PHGDH deficiency. Review status: criteria provided, single submitter. Criteria: ACMG Guidelines, 2015. Collection method: clinical testing. Allele origin: germline. Affected: yes.
Comment: Absent from controls (or at extremely low frequency if recessive) in Genome Aggregation Database, Exome Sequencing Project, 1000 Genomes Project, or Exome Aggregation Consortium.;Well-established in vitro or in vivo functional studies supportive of a damaging effect on the gene or gene product.;For recessive disorders, detected in trans with a pathogenic variant.;Patient's phenotype or family history is highly specific for a disease with a single genetic etiology.

PreventionGenetics, part of Exact Sciences
Classification: Pathogenic for PHGDH-related condition. Last evaluated: 2024-08-19. Review status: no assertion criteria provided. Collection method: clinical testing. Allele origin: germline. Not counted in ClinVar's aggregate classification.
Comment: The PHGDH c.1468G>A variant is predicted to result in the amino acid substitution p.Val490Met. This variant has been reported in individuals with autosomal recessive 3-phosphoglycerate dehydrogenase deficiency (Klomp et al. 2000. PubMed ID: 11055895; Ni et al. 2019. PubMed ID: 31903955; Lindstrand et al. 2022. PubMed ID: 36066546). This variant has not been reported in a large population database, indicating this variant is rare. This variant is interpreted as pathogenic.

OMIM
Classification: Pathogenic for PHOSPHOGLYCERATE DEHYDROGENASE DEFICIENCY. Last evaluated: 2000-12-01. Review status: no assertion criteria provided. Collection method: literature only. Allele origin: germline. Not counted in ClinVar's aggregate classification.

Literature cited by the submitters: PubMed 11055895 (cited by 5 submitters); PubMed 11751922 (cited by 4 submitters); PubMed 36066546 (cited by Natera, Inc.); PubMed 19235232 (cited by Natera, Inc.).